The following is an entry in ClinVar:

NC_000016.10:g.(?_89737551)_(89740100_89740803)del

Genes: FANCA (FA complementation group A; minus strand), ZNF276 (zinc finger protein 276; plus strand). Cytogenetic location: 16q24.3.
Variant type: Deletion.
Identifiers: ClinVar variation 974272 (VCV000974272.1).

ClinVar aggregate classification (germline): Uncertain significance (0 of 4 stars; one submission).

Conditions:
Fanconi anemia complementation group A (FANCA). Also called: Fanconi anemia, group A; FANCA-Related Fanconi Anemia. Identifiers: Orphanet 84, MedGen C3469521, MONDO:0009215, OMIM 227650.

Submission:

Leiden Open Variation Database
Classification: Uncertain significance for Fanconi anemia complementation group A. Last evaluated: 2020-02-28. Review status: no assertion criteria provided. Collection method: curation. Allele origin: germline. Affected: yes.
Comment: Curator: Arleen D. Auerbach. Submitter to LOVD: Arleen D. Auerbach.